The following is an entry in ClinVar:

NM_006306.4(SMC1A):c.1254+4G>A

Gene: SMC1A (structural maintenance of chromosomes 1A; minus strand). Cytogenetic location: Xp11.22.
Variant type: single nucleotide variant.
Coding change: c.1254+4G>A on transcript NM_006306.4 (MANE Select); 4 bases into the intron after coding-DNA position 1254, G replaced by A.
Molecular consequence: intron variant.
Genome position (GRCh38, 1-based): chrX:53,411,757, C>T on the plus strand (G>A on the coding strand, the complement: SMC1A is on the minus strand). VCF-style: chrX-53411757-C-T. GRCh37 (hg19) VCF-style: chrX-53438707-C-T.
Other names: c.1188+4G>A (NM_001281463.1).
Identifiers: ClinVar variation 588589 (VCV000588589.23), dbSNP rs781824288, ClinGen allele CA10420588.

ClinVar aggregate classification (germline): Conflicting classifications of pathogenicity. Review status: criteria provided, conflicting classifications (1 of 4 stars). 10 submissions from 10 submitters: Uncertain significance (4); Likely benign (4). 2 of the submissions do not count toward it. Last evaluated 2025-11-17.

Conditions:
Developmental and epileptic encephalopathy, 85, with or without midline brain defects. Also called: EPILEPTIC ENCEPHALOPATHY, EARLY INFANTILE, 85, WITH OR WITHOUT MIDLINE BRAIN DEFECTS. Identifiers: MedGen C5393312, MONDO:0026771, OMIM 301044.
Congenital muscular hypertrophy-cerebral syndrome (CDLS2). Also called: Cornelia de Lange syndrome 2; SMC1A-Related Cornelia de Lange Syndrome. Identifiers: Orphanet 199, MedGen C1802395, MONDO:0010370, OMIM 300590.
SMC1A-related disorder. Also called: SMC1A-related condition.
Inborn genetic diseases. Identifiers: MedGen C0950123, MeSH D030342.

Allele frequency attached by ClinVar (database versions not stated): ExAC 0.00001; gnomAD exomes 0.00001; gnomAD 0.00002; TOPMed 0.00002; 1000 Genomes Project 30x 0.00021; 1000 Genomes Project 0.00026.
gnomAD v4.1: 26 of 1,208,596 alleles (0.0022%); highest among the groups gnomAD compares: African/African-American, 0.025%; no homozygotes.

Submissions (10):

Labcorp Genetics (formerly Invitae), Labcorp
Classification: Uncertain significance for Congenital muscular hypertrophy-cerebral syndrome. Last evaluated: 2025-11-17. Review status: criteria provided, single submitter. Criteria: Invitae Variant Classification Sherloc (09022015). Collection method: clinical testing. Allele origin: germline.
Comment: This sequence change falls in intron 7 of the SMC1A gene. It does not directly change the encoded amino acid sequence of the SMC1A protein. It affects a nucleotide within the consensus splice site. This variant is present in population databases (rs781824288, gnomAD 0.008%). This variant has not been reported in the literature in individuals affected with SMC1A-related conditions. ClinVar contains an entry for this variant (Variation ID: 588589). Variants that disrupt the consensus splice site are a relatively common cause of aberrant splicing (PMID: 17576681, 9536098). Algorithms developed to predict the effect of sequence changes on RNA splicing suggest that this variant is not likely to affect RNA splicing. In summary, the available evidence is currently insufficient to determine the role of this variant in disease. Therefore, it has been classified as a Variant of Uncertain Significance.

Center for Medical Genetics Ghent, University of Ghent
Classification: Likely benign. Last evaluated: 2025-03-13. Review status: criteria provided, single submitter. Criteria: ACMG Guidelines, 2015. Collection method: clinical testing. Allele origin: maternal. Affected: yes.
Comment: BP4, BP7 RNA-sequencing was performed on PBMCs and did not show any aberrant splicing of the variant.

PreventionGenetics, part of Exact Sciences
Classification: Likely benign for SMC1A-related condition. Last evaluated: 2024-12-04. Review status: criteria provided, single submitter. Criteria: ACMG Guidelines, 2015. Collection method: clinical testing. Allele origin: germline.
Comment: This variant is classified as likely benign based on ACMG/AMP sequence variant interpretation guidelines (Richards et al. 2015 PMID: 25741868, with internal and published modifications).

Fulgent Genetics
Classification: Uncertain significance for Congenital muscular hypertrophy-cerebral syndrome; Developmental and epileptic encephalopathy, 85, with or without midline brain defects. Last evaluated: 2024-01-04. Review status: criteria provided, single submitter. Criteria: ACMG Guidelines, 2015. Collection method: clinical testing. Allele origin: germline.

Blueprint Genetics
Classification: Likely benign. Last evaluated: 2023-03-15. Review status: criteria provided, single submitter. Criteria: ACMG Guidelines, 2015. Collection method: clinical testing. Allele origin: germline.

Genetic Services Laboratory, University of Chicago
Classification: Likely benign. Last evaluated: 2019-11-27. Review status: criteria provided, single submitter. Criteria: ACMG Guidelines, 2015. Collection method: clinical testing. Allele origin: germline. Affected: no.

Baylor Genetics
Classification: Uncertain significance for Congenital muscular hypertrophy-cerebral syndrome. Last evaluated: 2018-08-08. Review status: criteria provided, single submitter. Criteria: ACMG Guidelines, 2015. Collection method: clinical testing. Allele origin: maternal. Affected: yes.
Comment: This variant was determined to be of uncertain significance according to ACMG Guidelines, 2015 [PMID:25741868].

Ambry Genetics
Classification: Uncertain significance for Inborn genetic diseases. Last evaluated: 2016-12-23. Review status: criteria provided, single submitter. Criteria: Ambry Variant Classification Scheme 2023. Collection method: clinical testing. Allele origin: germline.
Comment: The c.1254+4G>A intronic variant results from a G to A substitution 4 nucleotides after coding exon 7 in the SMC1A gene. This nucleotide position is not well conserved in available vertebrate species. Using the BDGP and ESEfinder splice site prediction tools, this alteration is not predicted to have any significant effect on this splice donor site; however, direct evidence is unavailable. Since supporting evidence is limited at this time, the clinical significance of this alteration remains unclear.

Clinical Genetics DNA and cytogenetics Diagnostics Lab, Erasmus MC, Erasmus Medical Center
Classification: Likely benign. Review status: no assertion criteria provided. Collection method: clinical testing. Allele origin: germline. Affected: yes. Study: VKGL Data-share Consensus. Not counted in ClinVar's aggregate classification.

Genome Diagnostics Laboratory, University Medical Center Utrecht
Classification: Likely benign. Review status: no assertion criteria provided. Collection method: clinical testing. Allele origin: germline. Affected: yes. Study: VKGL Data-share Consensus. Not counted in ClinVar's aggregate classification.

Literature cited by the submitters: PubMed 17576681 (cited by Labcorp Genetics (formerly Invitae), Labcorp); PubMed 9536098 (cited by Labcorp Genetics (formerly Invitae), Labcorp).